The following is an entry in ClinVar:

NM_177438.3(DICER1):c.1752+6A>C

Gene: DICER1 (dicer 1, ribonuclease III; minus strand). Cytogenetic location: 14q32.13.
Variant type: single nucleotide variant.
Coding change: c.1752+6A>C on transcript NM_177438.3 (MANE Select); 6 bases into the intron after coding-DNA position 1752, A replaced by C.
Molecular consequence: intron variant.
Genome position (GRCh38, 1-based): chr14:95,116,447, T>G on the plus strand (A>C on the coding strand, the complement: DICER1 is on the minus strand). VCF-style: chr14-95116447-T-G. GRCh37 (hg19) VCF-style: chr14-95582784-T-G.
Other names: c.1752+6A>C (NM_001291628.2, NM_030621.4, NM_001271282.3 and 1 more transcripts).
Identifiers: ClinVar variation 543645 (VCV000543645.10), dbSNP rs1207343810, ClinGen allele CA616115617.

ClinVar aggregate classification (germline): Uncertain significance (1 of 4 stars; one submission).

Conditions:
DICER1-related tumor predisposition. Also called: DICER1-related pleuropulmonary blastoma cancer predisposition syndrome; DICER1 syndrome. Identifiers: Orphanet 284343, MedGen C3839822, MONDO:0100216.

Allele frequency attached by ClinVar (database versions not stated): gnomAD exomes below 0.00001 and 0.00001; TOPMed 0.00001.
gnomAD v4.1: 2 of 1,610,252 alleles (0.00012%); highest among the groups gnomAD compares: Admixed American, 0.0033%; no homozygotes.

Submission:

Labcorp Genetics (formerly Invitae), Labcorp
Classification: Uncertain significance for DICER1-related tumor predisposition. Last evaluated: 2025-08-06. Review status: criteria provided, single submitter. Criteria: Invitae Variant Classification Sherloc (09022015). Collection method: clinical testing. Allele origin: germline.
Comment: This sequence change falls in intron 10 of the DICER1 gene. It does not directly change the encoded amino acid sequence of the DICER1 protein. It affects a nucleotide within the consensus splice site. This variant is present in population databases (no rsID available, gnomAD 0.006%). This variant has not been reported in the literature in individuals affected with DICER1-related conditions. ClinVar contains an entry for this variant (Variation ID: 543645). Variants that disrupt the consensus splice site are a relatively common cause of aberrant splicing (PMID: 17576681, 9536098). Algorithms developed to predict the effect of sequence changes on RNA splicing suggest that this variant is not likely to affect RNA splicing. In summary, the available evidence is currently insufficient to determine the role of this variant in disease. Therefore, it has been classified as a Variant of Uncertain Significance.

Literature cited by the submitters: PubMed 17576681; PubMed 9536098.